The following is an entry in ClinVar:

NM_016011.5(MECR):c.544del (p.Gln182fs)

Gene: MECR (mitochondrial trans-2-enoyl-CoA reductase; minus strand). Cytogenetic location: 1p35.3.
Variant type: Deletion.
Coding change: c.544del on transcript NM_016011.5 (MANE Select); coding-DNA position 544, one base deleted (C; older notation c.544delC).
Protein change: p.Gln182fs; shifts the reading frame from glutamine 182.
Molecular consequence: frameshift variant. On other transcripts: non-coding transcript variant (4).
Genome position (GRCh38, 1-based): chr1:29,206,768, G deleted on the plus strand (C on the coding strand, the reverse complement: MECR is on the minus strand). VCF-style (leftmost placement, unchanged base first): chr1-29206767-TG-T. GRCh37 (hg19) VCF-style: chr1-29533279-TG-T.
Other names: c.316del, p.Gln106fs (NM_001024732.4, NM_001349711.2, NM_001349712.2 and 2 more transcripts); c.649del, p.Gln217fs (NM_001349715.2); c.628del, p.Gln210fs (NM_001349716.2); c.394del, p.Gln132fs (NM_001349717.2); short protein forms Q106fs, Q182fs, Q210fs, Q132fs, Q217fs.
Identifiers: ClinVar variation 2845237 (VCV002845237.3), dbSNP rs2522505747, ClinGen allele CA2739272434.

ClinVar aggregate classification (germline): Pathogenic (1 of 4 stars; one submission).

Submission:

Labcorp Genetics (formerly Invitae), Labcorp
Classification: Pathogenic. Last evaluated: 2023-03-12. Review status: criteria provided, single submitter. Criteria: Invitae Variant Classification Sherloc (09022015). Collection method: clinical testing. Allele origin: germline.
Comment: For these reasons, this variant has been classified as Pathogenic. This variant has not been reported in the literature in individuals affected with MECR-related conditions. This variant is not present in population databases (gnomAD no frequency). This sequence change creates a premature translational stop signal (p.Gln182Serfs*28) in the MECR gene. It is expected to result in an absent or disrupted protein product. Loss-of-function variants in MECR are known to be pathogenic (PMID: 27817865).

Literature cited by the submitters: PubMed 27817865.